The following is an entry in ClinVar:

ClinVar aggregate classification (germline): Uncertain significance. Review status: criteria provided, multiple submitters, no conflicts (2 of 4 stars). 3 submissions from 3 submitters: Uncertain significance (3). Last evaluated 2024-12-10.

Conditions:
Inborn genetic diseases. Identifiers: MedGen C0950123, MeSH D030342.

Allele frequency attached by ClinVar (database versions not stated): gnomAD exomes below 0.00001; TOPMed 0.00001; gnomAD 0.00002; 1000 Genomes Project 30x 0.00016.
gnomAD v4.1: 7 of 1,613,986 alleles (0.00043%); highest among the groups gnomAD compares: Admixed American, 0.01%; no homozygotes.

Submissions (3):

Labcorp Genetics (formerly Invitae), Labcorp
Classification: Uncertain significance. Last evaluated: 2024-12-10. Review status: criteria provided, single submitter. Criteria: Invitae Variant Classification Sherloc (09022015). Collection method: clinical testing. Allele origin: germline.
Comment: This sequence change replaces glycine, which is neutral and non-polar, with serine, which is neutral and polar, at codon 225 of the MYO7A protein (p.Gly225Ser). This variant is not present in population databases (gnomAD no frequency). This variant has not been reported in the literature in individuals affected with MYO7A-related conditions. ClinVar contains an entry for this variant (Variation ID: 2177918). Invitae Evidence Modeling of protein sequence and biophysical properties (such as structural, functional, and spatial information, amino acid conservation, physicochemical variation, residue mobility, and thermodynamic stability) has been performed for this missense variant. However, the output from this modeling did not meet the statistical confidence thresholds required to predict the impact of this variant on MYO7A protein function. In summary, the available evidence is currently insufficient to determine the role of this variant in disease. Therefore, it has been classified as a Variant of Uncertain Significance.

Ambry Genetics
Classification: Uncertain significance for Inborn genetic diseases. Last evaluated: 2024-10-17. Review status: criteria provided, single submitter. Criteria: Ambry Variant Classification Scheme 2023. Collection method: clinical testing. Allele origin: germline.

Blueprint Genetics
Classification: Uncertain significance. Last evaluated: 2021-12-23. Review status: criteria provided, single submitter. Criteria: ACMG Guidelines, 2015. Collection method: clinical testing. Allele origin: germline.

NM_000260.4(MYO7A):c.673G>A (p.Gly225Ser)

Gene: MYO7A (myosin VIIA; plus strand). Cytogenetic location: 11q13.5.
Variant type: single nucleotide variant.
Coding change: c.673G>A on transcript NM_000260.4 (MANE Select); coding-DNA position 673, G replaced by A.
Protein change: p.Gly225Ser; replaces glycine 225 with serine.
Molecular consequence: missense variant.
Genome position (GRCh38, 1-based): chr11:77,156,942, G>A. VCF-style: chr11-77156942-G-A. GRCh37 (hg19) VCF-style: chr11-76867988-G-A.
Other names: c.673G>A (NM_000260.3); c.673G>A, p.Gly225Ser (NM_001127180.2); c.640G>A, p.Gly214Ser (NM_001369365.1); short protein forms G225S, G214S.
Identifiers: ClinVar variation 2177918 (VCV002177918.5), dbSNP rs1041669979, ClinGen allele CA224827235.